The following is an entry in ClinVar:

NM_004360.5(CDH1):c.795G>C (p.Glu265Asp)

Gene: CDH1 (cadherin 1; plus strand). Cytogenetic location: 16q22.1.
Variant type: single nucleotide variant.
Coding change: c.795G>C on transcript NM_004360.5 (MANE Select); coding-DNA position 795, G replaced by C.
Protein change: p.Glu265Asp; replaces glutamic acid 265 with aspartic acid.
Molecular consequence: missense variant. On other transcripts: 5 prime UTR variant (2).
Genome position (GRCh38, 1-based): chr16:68,810,304, G>C. VCF-style: chr16-68810304-G-C. GRCh37 (hg19) VCF-style: chr16-68844207-G-C.
Other names: c.795G>C, p.Glu265Asp (NM_001317184.2); c.-821G>C (NM_001317185.2); c.-1025G>C (NM_001317186.2); short protein forms E265D.
Identifiers: ClinVar variation 3653167 (VCV003653167.2).
Genomic context (GRCh38, chr16:68,810,304, plus strand): 5'-AATGGAGATTTTGATCACGGTAACCGATCAGAATGACAACAAGCCCGAATTCACCCAGGA[G>C]GTCTTTAAGGGGTCTGTCATGGAAGGTGCTCTTCCAGGTATATCCACTAATGAGAATCTG-3'
Protein context (NP_004351.1, residues 255-275): QNDNKPEFTQ[Glu265Asp]VFKGSVMEGA

ClinVar aggregate classification (germline): Uncertain significance (1 of 4 stars; one submission).

Conditions:
Hereditary diffuse gastric adenocarcinoma (HDGC). Also called: DIFFUSE GASTRIC AND LOBULAR BREAST CANCER SYNDROME. Identifiers: Orphanet 26106, MedGen C1708349, MONDO:0007648, OMIM 137215.

Submission:

Labcorp Genetics (formerly Invitae), Labcorp
Classification: Uncertain significance for Hereditary diffuse gastric adenocarcinoma. Last evaluated: 2024-05-13. Review status: criteria provided, single submitter. Criteria: Invitae Variant Classification Sherloc (09022015). Collection method: clinical testing. Allele origin: germline.
Comment: This sequence change replaces glutamic acid, which is acidic and polar, with aspartic acid, which is acidic and polar, at codon 265 of the CDH1 protein (p.Glu265Asp). This variant is not present in population databases (gnomAD no frequency). This variant has not been reported in the literature in individuals affected with CDH1-related conditions. An algorithm developed to predict the effect of missense changes on protein structure and function (PolyPhen-2) suggests that this variant is likely to be tolerated. In summary, the available evidence is currently insufficient to determine the role of this variant in disease. Therefore, it has been classified as a Variant of Uncertain Significance.